The following is an entry in ClinVar:

ClinVar aggregate classification (germline): Likely benign (1 of 4 stars; one submission).

Submission:

Mayo Clinic Laboratories, Mayo Clinic
Classification: Likely benign. Last evaluated: 2025-03-12. Review status: criteria provided, single submitter. Criteria: ACMG Guidelines, 2015. Collection method: clinical testing. Allele origin: germline. Observed: 1 variant allele.
Comment: BP4, BP7

NM_001909.5(CTSD):c.352+28C>T

Gene: CTSD (cathepsin D; minus strand). Cytogenetic location: 11p15.5.
Variant type: single nucleotide variant.
Coding change: c.352+28C>T on transcript NM_001909.5 (MANE Select); 28 bases into the intron after coding-DNA position 352, C replaced by T.
Molecular consequence: intron variant.
Genome position (GRCh38, 1-based): chr11:1,759,488, G>A on the plus strand (C>T on the coding strand, the complement: CTSD is on the minus strand). VCF-style: chr11-1759488-G-A. GRCh37 (hg19) VCF-style: chr11-1780718-G-A.
Other names: p.?.
Identifiers: ClinVar variation 4683577 (VCV004683577.1).